The following is an entry in ClinVar:

NC_000011.9:g.(?_2591838)_(2610104_?)del

Gene: KCNQ1 (potassium voltage-gated channel subfamily Q member 1; plus strand). Cytogenetic location: 11p15.5.
Variant type: Deletion.
Identifiers: ClinVar variation 2422597 (VCV002422597.2).

ClinVar aggregate classification (germline): Pathogenic (1 of 4 stars; one submission).

Conditions:
Long QT syndrome (LQTS). Identifiers: MedGen C0023976, MeSH D008133, MONDO:0002442. Disease mechanism: loss of function. Inheritance: Various modes of inheritance.

Submission:

Labcorp Genetics (formerly Invitae), Labcorp
Classification: Pathogenic for Long QT syndrome. Last evaluated: 2022-12-23. Review status: criteria provided, single submitter. Criteria: Invitae Variant Classification Sherloc (09022015). Collection method: clinical testing. Allele origin: germline.
Comment: This variant is a gross deletion of the genomic region encompassing exon(s) 3-10 of the KCNQ1 gene. This deletion is out-of-frame, and is expected to create a premature termination codon and result in an absent or disrupted protein product. Loss-of-function variants in KCNQ1 are known to be pathogenic (PMID: 9323054, 19862833). For these reasons, this variant has been classified as Pathogenic. A similar copy number variant has been observed in individual(s) with clinical features of KCNQ1-related conditions (PMID: 26688388).

Literature cited by the submitters: PubMed 9323054; PubMed 19862833; PubMed 26688388.